The following is an entry in ClinVar:

NM_001199107.2(TBC1D24):c.984-1G>C

Gene: TBC1D24 (TBC1 domain family member 24; plus strand). Cytogenetic location: 16p13.3.
Variant type: single nucleotide variant.
Coding change: c.984-1G>C on transcript NM_001199107.2 (MANE Select); the canonical splice acceptor site of the intron before coding-DNA position 984, G replaced by C.
Molecular consequence: splice acceptor variant.
Genome position (GRCh38, 1-based): chr16:2,498,237, G>C. VCF-style: chr16-2498237-G-C. GRCh37 (hg19) VCF-style: chr16-2548238-G-C.
Other names: NC_000016.9:g.2548238G>C; c.966-1G>C (NM_020705.3).
Identifiers: ClinVar variation 3895616 (VCV003895616.2).

ClinVar aggregate classification (germline): Likely pathogenic (1 of 4 stars; one submission).

Conditions:
TBC1D24-related disorder. Also called: TBC1D24-related disorders; TBC1D24-related condition. Identifiers: MedGen CN381194.

gnomAD v4.1: 2 of 1,605,606 alleles (0.00012%); highest among the groups gnomAD compares: Non-Finnish European, 0.00017%; no homozygotes.

Submissions (2):

Women's Health and Genetics/Laboratory Corporation of America, LabCorp
Classification: Likely pathogenic for TBC1D24-Related Disorders. Last evaluated: 2025-03-17. Review status: criteria provided, single submitter. Criteria: LabCorp Variant Classification Summary - May 2015. Collection method: clinical testing. Allele origin: germline.
Comment: Variant summary: TBC1D24 c.984-1G>C is located in a canonical splice-site and is predicted to affect mRNA splicing resulting in a significantly altered protein due to either exon skipping, shortening, or inclusion of intronic material. Variants that disrupt the consensus splice site are a relatively common cause of aberrant splicing and loss of TBC1D24 function. Several computational tools predict a significant impact on normal splicing: Four predict the variant abolishes a 3' acceptor site. Four predict the variant strengthens an alternate exonic 5' donor site 4-bp downstream from the canonical splice site. However, these predictions have yet to be confirmed by functional studies. The variant was absent in 235378 control chromosomes. To our knowledge, no occurrence of c.984-1G>C in individuals affected with TBC1D24-Related Disorders and no experimental evidence demonstrating its impact on protein function have been reported. No submitters have cited clinical-significance assessments for this variant to ClinVar. Based on the evidence outlined above, the variant was classified as likely pathogenic.

Dr. Peter K. Rogan Lab, Western University
No classification provided (evidence only). Condition: Thyroid cancer, nonmedullary, 1. Review status: no classification provided. Collection method: in vitro. Allele origin: not applicable. Functional consequence: retained intron. Not counted in ClinVar's aggregate classification.